The following is an entry in ClinVar:

NM_004329.3(BMPR1A):c.1344G>A (p.Gly448=)

Gene: BMPR1A (bone morphogenetic protein receptor type 1A; plus strand). Cytogenetic location: 10q23.2.
Variant type: single nucleotide variant.
Coding change: c.1344G>A on transcript NM_004329.3 (MANE Select); coding-DNA position 1344, G replaced by A.
Protein change: p.Gly448=; no amino-acid change (glycine 448 retained).
Molecular consequence: synonymous variant.
Genome position (GRCh38, 1-based): chr10:86,923,377, G>A. VCF-style: chr10-86923377-G-A. GRCh37 (hg19) VCF-style: chr10-88683134-G-A.
Identifiers: ClinVar variation 818905 (VCV000818905.14), dbSNP rs1589293406, ClinGen allele CA470308516.

ClinVar aggregate classification (germline): Benign/Likely benign. Review status: criteria provided, multiple submitters, no conflicts (2 of 4 stars). 4 submissions from 4 submitters: Benign (1); Likely benign (3). Last evaluated 2025-08-07.

Conditions:
Juvenile polyposis syndrome (JPS). Identifiers: Orphanet 2929, MedGen C0345893, MONDO:0017380, OMIM 174900.
Hereditary cancer-predisposing syndrome. Also called: Hereditary Cancer Syndrome; Neoplastic Syndromes, Hereditary; Hereditary neoplastic syndrome; Tumor predisposition. Identifiers: Orphanet 140162, MedGen C0027672, MeSH D009386, MONDO:0015356.

Allele frequency attached by ClinVar (database versions not stated): gnomAD exomes below 0.00001; gnomAD 0.00001.
gnomAD v4.1: 2 of 1,614,050 alleles (0.00012%); highest among the groups gnomAD compares: Admixed American, 0.0033%; no homozygotes.

Submissions (4):

Color Diagnostics, LLC DBA Color Health
Classification: Likely benign for Hereditary cancer-predisposing syndrome. Last evaluated: 2025-08-07. Review status: criteria provided, single submitter. Criteria: ACMG Guidelines, 2015. Collection method: clinical testing. Allele origin: germline.

Myriad Genetics, Inc.
Classification: Benign for Juvenile polyposis syndrome. Last evaluated: 2024-08-07. Review status: criteria provided, single submitter. Criteria: Myriad Autosomal Dominant, Autosomal Recessive and X-Linked Classification Criteria (2023). Collection method: clinical testing. Allele origin: unknown.
Comment: This variant is considered benign. This variant is a silent/synonymous amino acid change and it is not expected to impact splicing.

Labcorp Genetics (formerly Invitae), Labcorp
Classification: Likely benign for Juvenile polyposis syndrome. Last evaluated: 2023-06-05. Review status: criteria provided, single submitter. Criteria: Invitae Variant Classification Sherloc (09022015). Collection method: clinical testing. Allele origin: germline.

Ambry Genetics
Classification: Likely benign for Hereditary cancer-predisposing syndrome. Last evaluated: 2019-10-29. Review status: criteria provided, single submitter. Criteria: Ambry Variant Classification Scheme 2023. Collection method: clinical testing. Allele origin: germline.